The following is an entry in ClinVar:

NM_002490.6(NDUFA6):c.361A>G (p.Lys121Glu)

Gene: NDUFA6 (NADH:ubiquinone oxidoreductase subunit A6; minus strand). Cytogenetic location: 22q13.2.
Variant type: single nucleotide variant.
Coding change: c.361A>G on transcript NM_002490.6 (MANE Select); coding-DNA position 361, A replaced by G.
Protein change: p.Lys121Glu; replaces lysine 121 with glutamic acid.
Molecular consequence: missense variant.
Genome position (GRCh38, 1-based): chr22:42,086,209, T>C on the plus strand (A>G on the coding strand, the complement: NDUFA6 is on the minus strand). VCF-style: chr22-42086209-T-C. GRCh37 (hg19) VCF-style: chr22-42482213-T-C.
Other names: c.439A>G (NM_002490.3); short protein forms K121E.
Identifiers: ClinVar variation 1918608 (VCV001918608.8), dbSNP rs11555444, ClinGen allele CA10264312.
Genomic context (GRCh38, chr22:42,086,209, plus strand): 5'-ATAGTATCAACGTGCATCTTTCCACTGAATGACTTCATGGATCGTGGCCAACATAGAACT[T>C]GGATAGGAAATCCTTTGGCCTTGGCGCTTCTGTTTCATGGAAGAACCGCATAACATGTGT-3'
Protein context (NP_002481.3, residues 111-128): EAPRPKDFLS[Lys121Glu]FYVGHDP

ClinVar aggregate classification (germline): Conflicting classifications of pathogenicity. Review status: criteria provided, conflicting classifications (1 of 4 stars). 4 submissions from 4 submitters: Uncertain significance (3); Likely benign (1). Last evaluated 2025-11-24.

Conditions:
Mitochondrial complex I deficiency, nuclear type 33. Also called: Mitochondrial complex 1 deficiency, nuclear type 33. Identifiers: MedGen C4748840, MONDO:0032636, OMIM 618253.
Inborn genetic diseases. Identifiers: MedGen C0950123, MeSH D030342.

Allele frequency attached by ClinVar (database versions not stated): TOPMed below 0.00001; gnomAD 0.00001; gnomAD exomes 0.00004; ExAC 0.00007.

Submissions (4):

Ambry Genetics
Classification: Likely benign for Inborn genetic diseases. Last evaluated: 2025-11-24. Review status: criteria provided, single submitter. Criteria: Ambry Variant Classification Scheme 2023. Collection method: clinical testing. Allele origin: germline.

Blueprint Genetics
Classification: Uncertain significance. Last evaluated: 2024-11-06. Review status: criteria provided, single submitter. Criteria: ACMG Guidelines, 2015. Collection method: clinical testing. Allele origin: germline.

Revvity Omics, Revvity
Classification: Uncertain significance for Mitochondrial complex I deficiency, nuclear type 33. Last evaluated: 2023-12-13. Review status: criteria provided, single submitter. Criteria: ACMG Guidelines, 2015. Collection method: clinical testing. Allele origin: germline.

Labcorp Genetics (formerly Invitae), Labcorp
Classification: Uncertain significance. Last evaluated: 2023-06-19. Review status: criteria provided, single submitter. Criteria: Invitae Variant Classification Sherloc (09022015). Collection method: clinical testing. Allele origin: germline.
Comment: An algorithm developed to predict the effect of missense changes on protein structure and function (PolyPhen-2) suggests that this variant is likely to be disruptive. In summary, the available evidence is currently insufficient to determine the role of this variant in disease. Therefore, it has been classified as a Variant of Uncertain Significance. ClinVar contains an entry for this variant (Variation ID: 1918608). This variant has not been reported in the literature in individuals affected with NDUFA6-related conditions. This variant is present in population databases (rs11555444, gnomAD 0.06%). This sequence change replaces lysine, which is basic and polar, with glutamic acid, which is acidic and polar, at codon 147 of the NDUFA6 protein (p.Lys147Glu).